The following is an entry in ClinVar:

ClinVar aggregate classification (germline): Conflicting classifications of pathogenicity. Review status: criteria provided, conflicting classifications (1 of 4 stars). 3 submissions from 3 submitters: Uncertain significance (2); Likely benign (1). Last evaluated 2025-12-03.

Conditions:
Cyclical neutropenia. Also called: Cyclic Neutropenia; Cyclic hematopoiesis. Identifiers: Orphanet 2686, MedGen C0221023, MONDO:0008090, OMIM 162800, HP:0040289. Disease mechanism: loss of function.
Neutropenia, severe congenital, 1, autosomal dominant. Identifiers: MedGen C1859966, MONDO:0042490, OMIM 202700.

Allele frequency attached by ClinVar (database versions not stated): gnomAD 0.00003 and 0.00004; TOPMed 0.00003.
gnomAD v4.1: 34 of 1,611,040 alleles (0.0021%); highest among the groups gnomAD compares: South Asian, 0.0077%; no homozygotes.

Submissions (3):

Labcorp Genetics (formerly Invitae), Labcorp
Classification: Likely benign for Neutropenia, severe congenital, 1, autosomal dominant; Cyclical neutropenia. Last evaluated: 2025-12-03. Review status: criteria provided, single submitter. Criteria: Invitae Variant Classification Sherloc (09022015). Collection method: clinical testing. Allele origin: germline.

Blueprint Genetics
Classification: Uncertain significance. Last evaluated: 2024-08-15. Review status: criteria provided, single submitter. Criteria: ACMG Guidelines, 2015. Collection method: clinical testing. Allele origin: germline.

GeneDx
Classification: Uncertain significance. Last evaluated: 2019-04-24. Review status: criteria provided, single submitter. Criteria: GeneDx Variant Classification Process June 2021. Collection method: clinical testing. Allele origin: germline. Affected: yes.
Comment: In silico analysis, which includes splice predictors and evolutionary conservation, supports a deleterious effect; Has not been previously published as pathogenic or benign to our knowledge

NM_001972.4(ELANE):c.333C>G (p.Pro111=)

Gene: ELANE (elastase, neutrophil expressed; plus strand). Cytogenetic location: 19p13.3.
Variant type: single nucleotide variant.
Coding change: c.333C>G on transcript NM_001972.4 (MANE Select); coding-DNA position 333, C replaced by G.
Protein change: p.Pro111=; no amino-acid change (proline 111 retained).
Molecular consequence: synonymous variant.
Genome position (GRCh38, 1-based): chr19:853,370, C>G. VCF-style: chr19-853370-C-G. GRCh37 (hg19) VCF-style: chr19-853370-C-G.
Other names: c.333C>G (LRG_57t1).
Identifiers: ClinVar variation 636937 (VCV000636937.15), dbSNP rs774932781, ClinGen allele CA9026001.